The following is an entry in ClinVar:

NM_001365951.3(KIF1B):c.3052G>C (p.Glu1018Gln)

Gene: KIF1B (kinesin family member 1B; plus strand). Cytogenetic location: 1p36.22.
Variant type: single nucleotide variant.
Coding change: c.3052G>C on transcript NM_001365951.3 (MANE Select); coding-DNA position 3052, G replaced by C.
Protein change: p.Glu1018Gln; replaces glutamic acid 1018 with glutamine.
Molecular consequence: missense variant.
Genome position (GRCh38, 1-based): chr1:10,336,665, G>C. VCF-style: chr1-10336665-G-C. GRCh37 (hg19) VCF-style: chr1-10396723-G-C.
Other names: c.3052G>C, p.Glu1018Gln (NM_001365952.1); c.2914G>C, p.Glu972Gln (NM_015074.3); short protein forms E1018Q, E972Q.
Identifiers: ClinVar variation 3226426 (VCV003226426.1), dbSNP rs2521715368, ClinGen allele CA338339265.

ClinVar aggregate classification (germline): Uncertain significance (1 of 4 stars; one submission).

Submission:

Ambry Genetics
Classification: Uncertain significance. Last evaluated: 2024-02-26. Review status: criteria provided, single submitter. Criteria: Ambry Variant Classification Scheme 2023. Collection method: clinical testing. Allele origin: germline.
Comment: The p.E972Q variant (also known as c.2914G>C), located in coding exon 26 of the KIF1B gene, results from a G to C substitution at nucleotide position 2914. The glutamic acid at codon 972 is replaced by glutamine, an amino acid with highly similar properties. This amino acid position is conserved. In addition, the in silico prediction for this alteration is inconclusive. Based on the available evidence, the clinical significance of this alteration remains unclear.